The following is an entry in ClinVar:

ClinVar aggregate classification (germline): Conflicting classifications of pathogenicity. Review status: criteria provided, conflicting classifications (1 of 4 stars). 3 submissions from 3 submitters: Uncertain significance (1); Benign (1); Likely benign (1). Last evaluated 2025-12-04.

Conditions:
Inborn genetic diseases. Identifiers: MedGen C0950123, MeSH D030342.
Isolated focal non-epidermolytic palmoplantar keratoderma. Also called: Palmoplantar keratoderma, nonepidermolytic, focal 2. Identifiers: Orphanet 448264, MedGen C4225339, MONDO:0014622, OMIM 616400.

Allele frequency attached by ClinVar (database versions not stated): ESP Exome Variant Server 0.00008; TOPMed 0.00010; gnomAD exomes 0.00012 and 0.00006; gnomAD 0.00005; ExAC 0.00012.
gnomAD v4.1: 106 of 1,614,130 alleles (0.0066%); highest among the groups gnomAD compares: East Asian, 0.029%; no homozygotes.

Submissions (3):

Ambry Genetics
Classification: Uncertain significance for Inborn genetic diseases. Last evaluated: 2025-12-04. Review status: criteria provided, single submitter. Criteria: Ambry Variant Classification Scheme 2023. Collection method: clinical testing. Allele origin: germline.

Labcorp Genetics (formerly Invitae), Labcorp
Classification: Likely benign. Last evaluated: 2018-06-25. Review status: criteria provided, single submitter. Criteria: Invitae Variant Classification Sherloc (09022015). Collection method: clinical testing. Allele origin: germline.

Illumina Laboratory Services, Illumina
Classification: Benign for Isolated focal non-epidermolytic palmoplantar keratoderma. Last evaluated: 2018-01-13. Review status: criteria provided, single submitter. Criteria: ICSL Variant Classification Criteria 13 December 2019. Collection method: clinical testing. Allele origin: germline.
Comment: This variant was observed in the ICSL laboratory as part of a predisposition screen in an ostensibly healthy population. It had not been previously curated by ICSL or reported in the Human Gene Mutation Database (HGMD: prior to June 1st, 2018), and was therefore a candidate for classification through an automated scoring system. Utilizing variant allele frequency, disease prevalence and penetrance estimates, and inheritance mode, an automated score was calculated to assess if this variant is too frequent to cause the disease. Based on the score and internal cut-off values, a variant classified as benign is not then subjected to further curation. The score for this variant resulted in a classification of benign for this disease.

NM_145068.4(TRPV3):c.955C>T (p.Arg319Cys)

Gene: TRPV3 (transient receptor potential cation channel subfamily V member 3; minus strand). Cytogenetic location: 17p13.2.
Variant type: single nucleotide variant.
Coding change: c.955C>T on transcript NM_145068.4 (MANE Select); coding-DNA position 955, C replaced by T.
Protein change: p.Arg319Cys; replaces arginine 319 with cysteine.
Molecular consequence: missense variant.
Genome position (GRCh38, 1-based): chr17:3,532,767, G>A on the plus strand (C>T on the coding strand, the complement: TRPV3 is on the minus strand). VCF-style: chr17-3532767-G-A. GRCh37 (hg19) VCF-style: chr17-3436061-G-A.
Other names: c.955C>T, p.Arg319Cys (NM_001258205.2); c.955C>T (NM_145068.2); short protein forms R319C.
Identifiers: ClinVar variation 756130 (VCV000756130.9), dbSNP rs370662760, ClinGen allele CA8289660.